The following is an entry in ClinVar:

NM_001130987.2(DYSF):c.3574+34G>T

Gene: DYSF (dysferlin; plus strand). Cytogenetic location: 2p13.2.
Variant type: single nucleotide variant.
Coding change: c.3574+34G>T on transcript NM_001130987.2 (MANE Select); 34 bases into the intron after coding-DNA position 3574, G replaced by T.
Molecular consequence: intron variant.
Genome position (GRCh38, 1-based): chr2:71,590,322, G>T. VCF-style: chr2-71590322-G-T. GRCh37 (hg19) VCF-style: chr2-71817452-G-T.
Other names: c.3613+34G>T (NM_001130979.2); c.3571+34G>T (NM_001130981.2, NM_001130980.2); c.3520+34G>T (NM_001130978.2, NM_003494.4); c.3478+34G>T (NM_001130977.2, NM_001130976.2); c.3616+34G>T (NM_001130982.2); c.3574+34G>T (NM_001130985.2); c.3523+34G>T (NM_001130983.2, NM_001130455.2); c.3481+34G>T (NM_001130984.2, NM_001130986.2).
Identifiers: ClinVar variation 1188437 (VCV001188437.3), dbSNP rs188015008, ClinGen allele CA1706631.

ClinVar aggregate classification (germline): Benign. Review status: reviewed by expert panel (3 of 4 stars). 2 submissions from 2 submitters: Benign (1). 1 of the submissions does not count toward it. Last evaluated 2025-08-14.

Conditions:
Autosomal recessive limb-girdle muscular dystrophy. Identifiers: Orphanet 102015, MedGen C2931907, MONDO:0015152.

Allele frequency attached by ClinVar (database versions not stated): 1000 Genomes Project 0.00280; TOPMed 0.00293; gnomAD 0.00307 and 0.00322; ESP Exome Variant Server 0.00308; 1000 Genomes Project 30x 0.00328; ExAC 0.00364.
gnomAD v4.1: 7,415 of 1,611,664 alleles (0.46%); highest among the groups gnomAD compares: Middle Eastern, 0.63%; 28 homozygotes.

Submissions (2):

ClinGen Limb Girdle Muscular Dystrophy Variant Curation Expert Panel, ClinGen
Classification: Benign for Autosomal recessive limb-girdle muscular dystrophy. Last evaluated: 2025-08-14. Review status: reviewed by expert panel. Criteria: ClinGen LGMD VCEP ACMG Specifications DYSF V1.0.0. Collection method: curation. Allele origin: germline. Inheritance: Autosomal recessive inheritance.
Comment: The NM_003494.4: c.3520+34G>T variant in DYSF, which is also known as NM_001130987.2: c.3574+34G>T, is an intronic variant that is not located in a splice region. The filtering allele frequency for this variant is 0.005307 in gnomAD v4.1.0 (the lower threshold of the 95% CI of 520/91026 South Asian chromosomes), which is higher than the VCEP threshold of 0.003 (BA1). In addition, this variant is not predicted to impact splicing (SpliceAI score 0.01) (BP4, BP7). In summary, this variant meets the criteria to be classified as Benign for autosomal recessive limb girdle muscular dystrophy based on the ACMG/AMP criteria applied, as specified by the ClinGen LGMD VCEP (LGMD VCEP specifications version 1.0.0; 08/14/2025): BA1, BP4, BP7.

GeneDx
Classification: Likely benign. Last evaluated: 2020-05-25. Review status: criteria provided, single submitter. Criteria: GeneDx Variant Classification Process June 2021. Collection method: clinical testing. Allele origin: germline. Affected: yes. Not counted in ClinVar's aggregate classification.